The following is an entry in ClinVar:

ClinVar aggregate classification (germline): Uncertain significance (1 of 4 stars; one submission).

Allele frequency attached by ClinVar (database versions not stated): gnomAD exomes below 0.00001.
gnomAD v4.1: 2 of 1,614,080 alleles (0.00012%); highest among the groups gnomAD compares: Middle Eastern, 0.033%; no homozygotes.

Submission:

Labcorp Genetics (formerly Invitae), Labcorp
Classification: Uncertain significance. Last evaluated: 2024-01-05. Review status: criteria provided, single submitter. Criteria: Invitae Variant Classification Sherloc (09022015). Collection method: clinical testing. Allele origin: germline.
Comment: This sequence change replaces proline, which is neutral and non-polar, with leucine, which is neutral and non-polar, at codon 36 of the POLR1A protein (p.Pro36Leu). This variant is not present in population databases (gnomAD no frequency). This variant has not been reported in the literature in individuals affected with POLR1A-related conditions. ClinVar contains an entry for this variant (Variation ID: 1964865). Advanced modeling of protein sequence and biophysical properties (such as structural, functional, and spatial information, amino acid conservation, physicochemical variation, residue mobility, and thermodynamic stability) performed at Invitae indicates that this missense variant is not expected to disrupt POLR1A protein function with a negative predictive value of 80%. In summary, the available evidence is currently insufficient to determine the role of this variant in disease. Therefore, it has been classified as a Variant of Uncertain Significance.

NM_015425.6(POLR1A):c.107C>T (p.Pro36Leu)

Gene: POLR1A (RNA polymerase I subunit A; minus strand). Cytogenetic location: 2p11.2.
Variant type: single nucleotide variant.
Coding change: c.107C>T on transcript NM_015425.6 (MANE Select); coding-DNA position 107, C replaced by T.
Protein change: p.Pro36Leu; replaces proline 36 with leucine.
Molecular consequence: missense variant.
Genome position (GRCh38, 1-based): chr2:86,100,143, G>A on the plus strand (C>T on the coding strand, the complement: POLR1A is on the minus strand). VCF-style: chr2-86100143-G-A. GRCh37 (hg19) VCF-style: chr2-86327266-G-A.
Other names: short protein forms P36L.
Identifiers: ClinVar variation 1964865 (VCV001964865.5), dbSNP rs976646023, ClinGen allele CA51372567.